The following is an entry in ClinVar:

ClinVar aggregate classification (germline): Uncertain significance (1 of 4 stars; one submission).

Conditions:
Inborn genetic diseases. Identifiers: MedGen C0950123, MeSH D030342.

Submission:

Ambry Genetics
Classification: Uncertain significance for Inborn genetic diseases. Last evaluated: 2025-10-29. Review status: criteria provided, single submitter. Criteria: Ambry Variant Classification Scheme 2023. Collection method: clinical testing. Allele origin: germline.
Comment: The c.1384delG (p.A462Pfs*25) alteration, located in exon 12 (coding exon 11) of the NCAPD2 gene, consists of a deletion of one nucleotide at position 1384, causing a translational frameshift with a predicted alternate stop codon after 25 amino acids. This alteration is expected to result in premature protein truncation or nonsense-mediated mRNA decay. However, loss of function of NCAPD2 has not been established as a mechanism of disease. Based on data from gnomAD, the c.1384delG allele has an overall frequency of <0.01% (2/251458) total alleles studied. The highest observed frequency was 0.01% (2/34592) of Latino alleles. Based on insufficient or conflicting evidence, the clinical significance of this alteration remains unclear.

NM_014865.4(NCAPD2):c.1384del (p.Ala462fs)

Gene: NCAPD2 (non-SMC condensin I complex subunit D2; plus strand). Cytogenetic location: 12p13.31.
Variant type: Deletion.
Coding change: c.1384del on transcript NM_014865.4 (MANE Select); coding-DNA position 1384, one base deleted (G; older notation c.1384delG).
Protein change: p.Ala462fs; shifts the reading frame from alanine 462.
Molecular consequence: frameshift variant.
Genome position (GRCh38, 1-based): chr12:6,517,659, G deleted; the last of 3 consecutive G bases (chr12:6,517,657-6,517,659); deleting any one gives the same sequence. VCF-style (leftmost placement, unchanged base first): chr12-6517656-AG-A. GRCh37 (hg19) VCF-style: chr12-6626822-AG-A.
Other names: short protein forms A462fs.
Identifiers: ClinVar variation 2402069 (VCV002402069.3), dbSNP rs769706063, ClinGen allele CA6408388.